The following is an entry in ClinVar:

ClinVar aggregate classification (germline): Likely pathogenic (1 of 4 stars; one submission).

Conditions:
Pyruvate dehydrogenase E3 deficiency (DLDD). Also called: Lipoamide dehydrogenase deficiency, lactic acidosis due to; Dihydrolipoamide Dehydrogenase (E3) Deficiency; MAPLE SYRUP URINE DISEASE, TYPE III; Dihydrolipoamide Dehydrogenase Deficiency; DLD DEFICIENCY; E3 DEFICIENCY. Identifiers: Orphanet 2394, Orphanet 765, MedGen C5574660, MONDO:0009529, OMIM 246900.

Submission:

Natera, Inc.
Classification: Likely pathogenic for Maple syrup urine disease type 3. Last evaluated: 2025-09-14. Review status: criteria provided, single submitter. Criteria: Natera Variant Classification Schema (03/2026). Collection method: clinical testing. Allele origin: germline.
Comment: The c.1102del variant in DLD is a frameshift variant predicted to shift the reading frame beginning at codon 368 and leads to a stop codon 25 codons downstream. This variant is expected to result in nonsense mediated decay, truncation, or a dysfunctional protein product. This variant is rare in the general population with a frequency below the threshold expected for the associated phenotype(s). Given the available evidence, this variant is classified as Likely Pathogenic.

NM_000108.5(DLD):c.1102del (p.Asp368fs)

Gene: DLD (dihydrolipoamide dehydrogenase; plus strand). Cytogenetic location: 7q31.1.
Variant type: Deletion.
Coding change: c.1102del on transcript NM_000108.5 (MANE Select); coding-DNA position 1102, one base deleted (G; older notation c.1102delG).
Protein change: p.Asp368fs; shifts the reading frame from aspartic acid 368.
Molecular consequence: frameshift variant.
Genome position (GRCh38, 1-based): chr7:107,917,328, G deleted; the last of 2 consecutive G bases (chr7:107,917,327-107,917,328); deleting either gives the same sequence. VCF-style (leftmost placement, unchanged base first): chr7-107917326-AG-A. GRCh37 (hg19) VCF-style: chr7-107557771-AG-A.
Other names: c.805del, p.Asp269fs (NM_001289750.1); c.1033del, p.Asp345fs (NM_001289751.1); c.958del, p.Asp320fs (NM_001289752.1); short protein forms D269fs, D320fs, D345fs, D368fs.
Identifiers: ClinVar variation 4817447 (VCV004817447.1).
Genomic context (GRCh38, chr7:107,917,326, plus strand): 5'-GTGGTAGTATCTATGCCATTGGTGATGTAGTTGCTGGTCCAATGCTGGCTCACAAAGCAG[AG>A]GATGAAGGCATTATCTGTGTTGAAGGAATGGCTGGTGGTGCTGTGCACATTGACTACAAT-3'